The following is an entry in ClinVar:

NM_001267550.2(TTN):c.39058_39141del84 (p.Ala13030_Pro13057del)

Gene: TTN (titin; minus strand). Cytogenetic location: 2q31.2.
Variant type: Deletion.
Coding change: c.39058_39141del84 on transcript NM_001267550.2 (MANE Select); coding-DNA positions 39058 to 39141, 84 bases deleted.
Protein change: p.Ala13030_Pro13057del.
Molecular consequence: splice acceptor variant, splice donor variant, inframe deletion. On other transcripts: intron variant (3).
Genome position: GRCh38: chr2:178,652,334-178,652,527. GRCh37 (hg19): chr2:179,517,061-179,517,254.
Other names: c.34537_34620del84, p.Ala11523_Pro11550del (NM_001256850.1); c.31756_31839del84, p.Ala10596_Pro10623del (NM_133378.4); c.13283-10179_13283-9986del (NM_003319.4); c.13859-10179_13859-9986del (NM_133437.4); c.13658-10179_13658-9986del (NM_133432.3).
Identifiers: ClinVar variation 2081311 (VCV002081311.4), ClinGen allele CA2580065060.

ClinVar aggregate classification (germline): Uncertain significance (1 of 4 stars; one submission).

Conditions:
Dilated cardiomyopathy 1G (CMD1G). Identifiers: Orphanet 154, MedGen C1858763, MONDO:0011400, OMIM 604145.
Autosomal recessive limb-girdle muscular dystrophy type 2J (LGMDR10). Also called: Limb-girdle muscular dystrophy, type 2J; MUSCULAR DYSTROPHY, LIMB-GIRDLE, AUTOSOMAL RECESSIVE 10. Identifiers: Orphanet 140922, MedGen C1837342, MONDO:0012127, OMIM 608807.

Submission:

Labcorp Genetics (formerly Invitae), Labcorp
Classification: Uncertain significance for Dilated cardiomyopathy 1G; Autosomal recessive limb-girdle muscular dystrophy type 2J. Last evaluated: 2022-01-15. Review status: criteria provided, single submitter. Criteria: Invitae Variant Classification Sherloc (09022015). Collection method: clinical testing. Allele origin: germline.
Comment: This variant results in the deletion of part of exon(s) 202-203 of the TTN gene. This variant would be expected to be in-frame, preserving the integrity of the reading frame. This variant is not present in population databases (gnomAD no frequency). This variant has not been reported in the literature in individuals affected with TTN-related conditions. In summary, the available evidence is currently insufficient to determine the role of this variant in disease. Therefore, it has been classified as a Variant of Uncertain Significance. This variant is located in the I band of TTN (PMID: 25589632). Variants in this region may be clinically relevant, but have not been definitively shown to cause cardiomyopathy or neuromuscular disease (PMID: 27493940, 32778822).

Literature cited by the submitters: PubMed 25589632; PubMed 27493940; PubMed 32778822.